The following is an entry in ClinVar:

NM_030650.3(LNPK):c.1054+1G>C

Gene: LNPK (lunapark, ER junction formation factor; minus strand). Cytogenetic location: 2q31.1.
Variant type: single nucleotide variant.
Coding change: c.1054+1G>C on transcript NM_030650.3 (MANE Select); the canonical splice donor site of the intron after coding-DNA position 1054, G replaced by C.
Molecular consequence: splice donor variant.
Genome position (GRCh38, 1-based): chr2:175,937,343, C>G on the plus strand (G>C on the coding strand, the complement: LNPK is on the minus strand). VCF-style: chr2-175937343-C-G. GRCh37 (hg19) VCF-style: chr2-176802071-C-G.
Other names: c.685+1G>C (NM_001305011.2); c.1060+1G>C (NM_001305010.1); c.1147+1G>C (NM_001305009.1); c.1252+1G>C (NM_001305008.1).
Identifiers: ClinVar variation 1028894 (VCV001028894.1), dbSNP rs1684599962, ClinGen allele CA349695785.
Genomic context (GRCh38, chr2:175,937,343, plus strand): 5'-CTTTTATTACTGTTAAATAACACATGTTATTAAGGGGCAAAACTGTTTAACATATTCATA[C>G]CTTCATTAAACTGGTTGTCTGATGAAAGCACACTTCCTGATGGCAAGGGACCAACTGAAC-3'

ClinVar aggregate classification (germline): Pathogenic (1 of 4 stars; one submission).

Conditions:
Neurodevelopmental disorder with epilepsy and hypoplasia of the corpus callosum. Identifiers: MedGen C4748137, MONDO:0060761, OMIM 618090.

Submission:

Baylor Genetics
Classification: Pathogenic for Neurodevelopmental disorder with epilepsy and hypoplasia of the corpus callosum. Last evaluated: 2020-06-03. Review status: criteria provided, single submitter. Criteria: ACMG Guidelines, 2015. Collection method: clinical testing. Allele origin: unknown. Affected: yes.
Comment: This variant was determined to be pathogenic according to ACMG Guidelines, 2015 [PMID:25741868].